The following is an entry in ClinVar:

ClinVar aggregate classification (germline): Uncertain significance (1 of 4 stars; one submission).

gnomAD v4.1: 12 of 1,614,100 alleles (0.00074%); highest among the groups gnomAD compares: Non-Finnish European, 0.001%; no homozygotes.

Submission:

GeneDx
Classification: Uncertain significance. Last evaluated: 2020-10-26. Review status: criteria provided, single submitter. Criteria: GeneDx Variant Classification Process June 2021. Collection method: clinical testing. Allele origin: germline. Affected: yes.
Comment: Not observed in large population cohorts (Lek et al., 2016); In silico analysis supports that this missense variant does not alter protein structure/function; Has not been previously published as pathogenic or benign to our knowledge

NM_015215.4(CAMTA1):c.322A>G (p.Ile108Val)

Gene: CAMTA1 (calmodulin binding transcription activator 1; plus strand). Cytogenetic location: 1p36.23.
Variant type: single nucleotide variant.
Coding change: c.322A>G on transcript NM_015215.4 (MANE Select); coding-DNA position 322, A replaced by G.
Protein change: p.Ile108Val; replaces isoleucine 108 with valine.
Molecular consequence: missense variant.
Genome position (GRCh38, 1-based): chr1:7,249,510, A>G. VCF-style: chr1-7249510-A-G. GRCh37 (hg19) VCF-style: chr1-7309570-A-G.
Other names: c.232A>G, p.Ile78Val (NM_001349608.2, NM_001349612.2); c.322A>G, p.Ile108Val (NM_001349609.2, NM_001349610.2); short protein forms I108V, I78V.
Identifiers: ClinVar variation 1313638 (VCV001313638.2), dbSNP rs2149302838, ClinGen allele CA338218564.